The following is an entry in ClinVar:

NM_001042492.3(NF1):c.3436G>C (p.Val1146Leu)

Gene: NF1 (neurofibromin 1; plus strand). Cytogenetic location: 17q11.2.
Variant type: single nucleotide variant.
Coding change: c.3436G>C on transcript NM_001042492.3 (MANE Select); coding-DNA position 3436, G replaced by C.
Protein change: p.Val1146Leu; replaces valine 1146 with leucine.
Molecular consequence: missense variant.
Genome position (GRCh38, 1-based): chr17:31,232,821, G>C. VCF-style: chr17-31232821-G-C. GRCh37 (hg19) VCF-style: chr17-29559839-G-C.
Other names: c.3436G>C, p.Val1146Leu (NM_000267.4); short protein forms V1146L.
Identifiers: ClinVar variation 1045470 (VCV001045470.5), dbSNP rs201047812, ClinGen allele CA398989266.
Genomic context (GRCh38, chr17:31,232,821, plus strand): 5'-CAAACAGGTGGCAGGAAACGTGGCATGTCTCGGAGGCTGGCATCACTGAGGCACTGTACG[G>C]TCCTTGCAATGTCAAACTTACTCAATGCCAACGTAGACAGTGGTCTCATGCACTCCATAG-3'
Protein context (NP_001035957.1, residues 1136-1156): RRLASLRHCT[Val1146Leu]LAMSNLLNAN

ClinVar aggregate classification (germline): Likely pathogenic (1 of 4 stars; one submission).

Conditions:
Neurofibromatosis, type 1 (NF1). Also called: VON RECKLINGHAUSEN DISEASE; NEUROFIBROMATOSIS, TYPE I, SOMATIC; Peripheral type neurofibromatosis; Neurofibromatosis, type I. Identifiers: Orphanet 636, MedGen C0027831, MONDO:0018975, OMIM 162200. Disease mechanism: loss of function.

Submission:

Labcorp Genetics (formerly Invitae), Labcorp
Classification: Likely pathogenic for Neurofibromatosis, type 1. Last evaluated: 2021-04-02. Review status: criteria provided, single submitter. Criteria: Invitae Variant Classification Sherloc (09022015). Collection method: clinical testing. Allele origin: germline.
Comment: In summary, the currently available evidence indicates that the variant is pathogenic, but additional data are needed to prove that conclusively. Therefore, this variant has been classified as Likely Pathogenic. This variant disrupts the p.Val1146 amino acid residue in NF1. Other variant(s) that disrupt this residue have been determined to be pathogenic (Invitae). This suggests that this residue is clinically significant, and that variants that disrupt this residue are likely to be disease-causing. This variant has been observed in individual(s) with neurofibromatosis type 1 (PMID: 27716896, Invitae). This variant is not present in population databases (ExAC no frequency). This sequence change replaces valine with leucine at codon 1146 of the NF1 protein (p.Val1146Leu). The valine residue is moderately conserved and there is a small physicochemical difference between valine and leucine.

Literature cited by the submitters: PubMed 27716896.